The following is an entry in ClinVar:

ClinVar aggregate classification (germline): Uncertain significance (1 of 4 stars; one submission).

Submission:

Labcorp Genetics (formerly Invitae), Labcorp
Classification: Uncertain significance. Last evaluated: 2022-01-17. Review status: criteria provided, single submitter. Criteria: Invitae Variant Classification Sherloc (09022015). Collection method: clinical testing. Allele origin: germline.
Comment: In summary, the available evidence is currently insufficient to determine the role of this variant in disease. Therefore, it has been classified as a Variant of Uncertain Significance. Algorithms developed to predict the effect of missense changes on protein structure and function (SIFT, PolyPhen-2, Align-GVGD) all suggest that this variant is likely to be tolerated. This variant has not been reported in the literature in individuals affected with LIFR-related conditions. This variant is not present in population databases (gnomAD no frequency). This sequence change replaces asparagine, which is neutral and polar, with serine, which is neutral and polar, at codon 463 of the LIFR protein (p.Asn463Ser).

NM_001127671.2(LIFR):c.1388A>G (p.Asn463Ser)

Gene: LIFR (LIF receptor subunit alpha; minus strand). Cytogenetic location: 5p13.1.
Variant type: single nucleotide variant.
Coding change: c.1388A>G on transcript NM_001127671.2 (MANE Select); coding-DNA position 1388, A replaced by G.
Protein change: p.Asn463Ser; replaces asparagine 463 with serine.
Molecular consequence: missense variant.
Genome position (GRCh38, 1-based): chr5:38,504,025, T>C on the plus strand (A>G on the coding strand, the complement: LIFR is on the minus strand). VCF-style: chr5-38504025-T-C. GRCh37 (hg19) VCF-style: chr5-38504127-T-C.
Other names: c.1388A>G, p.Asn463Ser (NM_001364297.2, NM_001364298.2, NM_002310.6); short protein forms N463S.
Identifiers: ClinVar variation 1967994 (VCV001967994.5), dbSNP rs1745319094, ClinGen allele CA359542561.